The following is an entry in ClinVar:

NM_001254.4(CDC6):c.181G>A (p.Asp61Asn)

Gene: CDC6 (cell division cycle 6; plus strand). Cytogenetic location: 17q21.2.
Variant type: single nucleotide variant.
Coding change: c.181G>A on transcript NM_001254.4 (MANE Select); coding-DNA position 181, G replaced by A.
Protein change: p.Asp61Asn; replaces aspartic acid 61 with asparagine.
Molecular consequence: missense variant.
Genome position (GRCh38, 1-based): chr17:40,291,060, G>A. VCF-style: chr17-40291060-G-A. GRCh37 (hg19) VCF-style: chr17-38447312-G-A.
Other names: short protein forms D61N.
Identifiers: ClinVar variation 3998640 (VCV003998640.2).

ClinVar aggregate classification (germline): Uncertain significance. Review status: criteria provided, multiple submitters, no conflicts (2 of 4 stars). 2 submissions from 2 submitters: Uncertain significance (2). Last evaluated 2025-12-15.

gnomAD v4.1: 33 of 1,613,876 alleles (0.002%); highest among the groups gnomAD compares: Non-Finnish European, 0.0025%; no homozygotes.

Submissions (2):

Labcorp Genetics (formerly Invitae), Labcorp
Classification: Uncertain significance. Last evaluated: 2025-12-15. Review status: criteria provided, single submitter. Criteria: Invitae Variant Classification Sherloc (09022015). Collection method: clinical testing. Allele origin: germline.
Comment: This sequence change replaces aspartic acid, which is acidic and polar, with asparagine, which is neutral and polar, at codon 61 of the CDC6 protein (p.Asp61Asn). This variant is present in population databases (no rsID available, gnomAD 0.003%). This variant has not been reported in the literature in individuals affected with CDC6-related conditions. ClinVar contains an entry for this variant (Variation ID: 3998640). An algorithm developed to predict the effect of missense changes on protein structure and function (PolyPhen-2) suggests that this variant is likely to be tolerated. In summary, the available evidence is currently insufficient to determine the role of this variant in disease. Therefore, it has been classified as a Variant of Uncertain Significance.

Ambry Genetics
Classification: Uncertain significance. Last evaluated: 2025-04-13. Review status: criteria provided, single submitter. Criteria: Ambry Variant Classification Scheme 2023. Collection method: clinical testing. Allele origin: germline.